The following is an entry in ClinVar:

NM_201384.3(PLEC):c.11985T>G (p.Ile3995Met)

Gene: PLEC (plectin; minus strand). Cytogenetic location: 8q24.3.
Variant type: single nucleotide variant.
Coding change: c.11985T>G on transcript NM_201384.3 (MANE Select); coding-DNA position 11985, T replaced by G.
Protein change: p.Ile3995Met; replaces isoleucine 3995 with methionine.
Molecular consequence: missense variant.
Genome position (GRCh38, 1-based): chr8:143,917,836, A>C on the plus strand (T>G on the coding strand, the complement: PLEC is on the minus strand). VCF-style: chr8-143917836-A-C. GRCh37 (hg19) VCF-style: chr8-144992004-A-C.
Other names: c.12066T>G, p.Ile4022Met (NM_000445.5); c.8685T>G, p.Ile2895Met (NM_001410941.1); c.11943T>G, p.Ile3981Met (NM_201378.4); c.11919T>G, p.Ile3973Met (NM_201379.3); c.12396T>G, p.Ile4132Met (NM_201380.4); c.11889T>G, p.Ile3963Met (NM_201381.3); c.11985T>G, p.Ile3995Met (NM_201382.4); c.11997T>G, p.Ile3999Met (NM_201383.3); short protein forms I2895M, I3963M, I3973M, I3981M, I3995M, I3999M, I4022M, I4132M.
Identifiers: ClinVar variation 2430929 (VCV002430929.3), dbSNP rs545620955, ClinGen allele CA4924202.

ClinVar aggregate classification (germline): Uncertain significance. Review status: criteria provided, multiple submitters, no conflicts (2 of 4 stars). 2 submissions from 2 submitters: Uncertain significance (2). Last evaluated 2024-02-14.

Conditions:
Epidermolysis bullosa simplex 5B, with muscular dystrophy (EBS5B). Also called: EPIDERMOLYSIS BULLOSA SIMPLEX AND LIMB-GIRDLE MUSCULAR DYSTROPHY; Epidermolysis bullosa simplex with muscular dystrophy. Identifiers: Orphanet 257, MedGen C2931072, MONDO:0009181, OMIM 226670.
Epidermolysis bullosa simplex with nail dystrophy (EBS5D). Identifiers: MedGen C4225309, MONDO:0014661, OMIM 616487.
Epidermolysis bullosa simplex 5C, with pyloric atresia (EBS5C). Also called: PLEC-Related Epidermolysis Bullosa with Pyloric Atresia; Epidermolysis bullosa simplex with pyloric atresia; PLEC1-Related Epidermolysis Bullosa with Pyloric Atresia. Identifiers: Orphanet 158684, MedGen C2677349, MONDO:0012807, OMIM 612138.
Autosomal recessive limb-girdle muscular dystrophy type 2Q (LGMDR17). Also called: MUSCULAR DYSTROPHY, LIMB-GIRDLE, AUTOSOMAL RECESSIVE 17. Identifiers: Orphanet 254361, MedGen C3150989, MONDO:0013390, OMIM 613723.
Epidermolysis bullosa simplex, Ogna type (EBS5A). Also called: EPIDERMOLYSIS BULLOSA SIMPLEX 5A, OGNA TYPE; Pidermolysis bullosa simplex 5A, Ogna type. Identifiers: Orphanet 79401, MedGen C0432317, MONDO:0007555, OMIM 131950.

Allele frequency attached by ClinVar (database versions not stated): gnomAD exomes below 0.00001; TOPMed below 0.00001; ExAC 0.00002; gnomAD 0.00002; 1000 Genomes Project 30x 0.00016; 1000 Genomes Project 0.00020.
gnomAD v4.1: 8 of 1,613,170 alleles (0.0005%); highest among the groups gnomAD compares: South Asian, 0.0088%; no homozygotes.

Submissions (2):

Labcorp Genetics (formerly Invitae), Labcorp
Classification: Uncertain significance for Autosomal recessive limb-girdle muscular dystrophy type 2Q; Epidermolysis bullosa simplex, Ogna type; Epidermolysis bullosa simplex with nail dystrophy; Epidermolysis bullosa simplex 5C, with pyloric atresia; Epidermolysis bullosa simplex 5B, with muscular dystrophy. Last evaluated: 2024-02-14. Review status: criteria provided, single submitter. Criteria: Invitae Variant Classification Sherloc (09022015). Collection method: clinical testing. Allele origin: germline.
Comment: This sequence change replaces isoleucine, which is neutral and non-polar, with methionine, which is neutral and non-polar, at codon 4022 of the PLEC protein (p.Ile4022Met). This variant is present in population databases (rs545620955, gnomAD 0.01%). This variant has not been reported in the literature in individuals affected with PLEC-related conditions. ClinVar contains an entry for this variant (Variation ID: 2430929). Advanced modeling of protein sequence and biophysical properties (such as structural, functional, and spatial information, amino acid conservation, physicochemical variation, residue mobility, and thermodynamic stability) has been performed at Invitae for this missense variant, however the output from this modeling did not meet the statistical confidence thresholds required to predict the impact of this variant on PLEC protein function. In summary, the available evidence is currently insufficient to determine the role of this variant in disease. Therefore, it has been classified as a Variant of Uncertain Significance.

GeneDx
Classification: Uncertain significance. Last evaluated: 2022-08-24. Review status: criteria provided, single submitter. Criteria: GeneDx Variant Classification Process June 2021. Collection method: clinical testing. Allele origin: germline. Affected: yes.
Comment: Not observed at significant frequency in large population cohorts (gnomAD); In silico analysis supports that this missense variant does not alter protein structure/function; Has not been previously published as pathogenic or benign to our knowledge